The following is an entry in ClinVar:

ClinVar aggregate classification (germline): Uncertain significance. Review status: criteria provided, multiple submitters, no conflicts (2 of 4 stars). 4 submissions from 4 submitters: Uncertain significance (3). 1 of the submissions does not count toward it. Last evaluated 2023-05-22.

Conditions:
Inborn genetic diseases. Identifiers: MedGen C0950123, MeSH D030342.
Autosomal recessive nonsyndromic hearing loss 12. Also called: DEAFNESS, AUTOSOMAL RECESSIVE 12. Identifiers: Orphanet 90636, MedGen C1832394, MONDO:0011067, OMIM 601386.
Pituitary adenoma 5, multiple types. Identifiers: MedGen C4539685, MONDO:0054601, OMIM 617540.
Usher syndrome type 1D (USH1D). Also called: USHER SYNDROME, TYPE ID. Identifiers: Orphanet 231169, Orphanet 886, MedGen C1832845, MONDO:0010984, OMIM 601067.
Usher syndrome type 1 (USH1). Also called: RETINITIS PIGMENTOSA AND CONGENITAL DEAFNESS. Identifiers: Orphanet 231169, Orphanet 886, MedGen C1568247, MONDO:0010168, OMIM 276900.

Allele frequency attached by ClinVar (database versions not stated): gnomAD exomes 0.00002; TOPMed 0.00002; ExAC 0.00003; gnomAD 0.00003.
gnomAD v4.1: 29 of 1,612,754 alleles (0.0018%); highest among the groups gnomAD compares: Non-Finnish European, 0.0024%; no homozygotes.

Submissions (4):

Labcorp Genetics (formerly Invitae), Labcorp
Classification: Uncertain significance. Last evaluated: 2023-05-22. Review status: criteria provided, single submitter. Criteria: Invitae Variant Classification Sherloc (09022015). Collection method: clinical testing. Allele origin: germline.
Comment: In summary, the available evidence is currently insufficient to determine the role of this variant in disease. Therefore, it has been classified as a Variant of Uncertain Significance. This sequence change replaces threonine, which is neutral and polar, with isoleucine, which is neutral and non-polar, at codon 2545 of the CDH23 protein (p.Thr2545Ile). This variant is present in population databases (rs763947401, gnomAD 0.004%). This variant has not been reported in the literature in individuals affected with CDH23-related conditions. ClinVar contains an entry for this variant (Variation ID: 837238). Advanced modeling of protein sequence and biophysical properties (such as structural, functional, and spatial information, amino acid conservation, physicochemical variation, residue mobility, and thermodynamic stability) performed at Invitae indicates that this missense variant is not expected to disrupt CDH23 protein function.

Ambry Genetics
Classification: Uncertain significance for Inborn genetic diseases. Last evaluated: 2023-02-23. Review status: criteria provided, single submitter. Criteria: Ambry Variant Classification Scheme 2023. Collection method: clinical testing. Allele origin: germline.

Fulgent Genetics
Classification: Uncertain significance for Usher syndrome type 1D; Autosomal recessive nonsyndromic hearing loss 12; Pituitary adenoma 5, multiple types. Last evaluated: 2022-03-01. Review status: criteria provided, single submitter. Criteria: ACMG Guidelines, 2015. Collection method: clinical testing. Allele origin: unknown.

Natera, Inc.
Classification: Uncertain significance for Usher syndrome type 1. Last evaluated: 2020-08-27. Review status: no assertion criteria provided. Collection method: clinical testing. Allele origin: germline. Not counted in ClinVar's aggregate classification.

NM_022124.6(CDH23):c.7634C>T (p.Thr2545Ile)

Gene: CDH23 (cadherin related 23; plus strand). Cytogenetic location: 10q22.1.
Variant type: single nucleotide variant.
Coding change: c.7634C>T on transcript NM_022124.6 (MANE Select); coding-DNA position 7634, C replaced by T.
Protein change: p.Thr2545Ile; replaces threonine 2545 with isoleucine.
Molecular consequence: missense variant.
Genome position (GRCh38, 1-based): chr10:71,803,049, C>T. VCF-style: chr10-71803049-C-T. GRCh37 (hg19) VCF-style: chr10-73562806-C-T.
Other names: c.914C>T, p.Thr305Ile (NM_001171933.1, NM_001171934.1); short protein forms T2545I, T305I.
Identifiers: ClinVar variation 837238 (VCV000837238.8), dbSNP rs763947401, ClinGen allele CA5546392.